The following is an entry in ClinVar:

NM_001005242.3(PKP2):c.1536C>T (p.Tyr512=)

Gene: PKP2 (plakophilin 2; minus strand). Cytogenetic location: 12p11.21.
Variant type: single nucleotide variant.
Coding change: c.1536C>T on transcript NM_001005242.3 (MANE Select); coding-DNA position 1536, C replaced by T.
Protein change: p.Tyr512=; no amino-acid change (tyrosine 512 retained).
Molecular consequence: synonymous variant.
Genome position (GRCh38, 1-based): chr12:32,841,048, G>A on the plus strand (C>T on the coding strand, the complement: PKP2 is on the minus strand). VCF-style: chr12-32841048-G-A. GRCh37 (hg19) VCF-style: chr12-32993982-G-A.
Other names: c.1536C>T, p.Tyr512= (NM_001407155.1, NM_001407156.1, NM_001407161.1); c.1668C>T, p.Tyr556= (NM_001407157.1, NM_004572.4); c.1209C>T, p.Tyr403= (NM_001407158.1, NM_001407159.1, NM_001407160.1 and 1 more transcripts).
Identifiers: ClinVar variation 3387474 (VCV003387474.1).

ClinVar aggregate classification (germline): Likely benign (1 of 4 stars; one submission).

Conditions:
Arrhythmogenic right ventricular cardiomyopathy (ARVD). Also called: Arrhythmogenic right ventricular dysplasia; Cardiomyopathy, ARVC; Arrhythmogenic cardiomyopathy; Arrhythmogenic Right Ventricular Cardiomyopathy (ARVC). Identifiers: Orphanet 247, MedGen C0349788, MeSH D019571, MONDO:0016587. Disease mechanism: loss of function. Inheritance: Various modes of inheritance.

gnomAD v4.1: 1 of 1,613,528 alleles (0.000062%); highest among the groups gnomAD compares: Non-Finnish European, 0.000085%; no homozygotes.

Submission:

All of Us Research Program, National Institutes of Health
Classification: Likely benign for Arrhythmogenic right ventricular cardiomyopathy. Last evaluated: 2024-04-16. Review status: criteria provided, single submitter. Criteria: ACMG Guidelines, 2015. Collection method: clinical testing. Allele origin: germline. Inheritance: Autosomal dominant inheritance. Observed: 1 variant allele, 1 heterozygote.
Comment: This study involves interpretation of variants in research participants for the purpose of population health screening. Participant phenotype was not available at the time of variant classification. Additional details can be found in publication PMID: 35346344, PMCID: PMC8962531